The following is an entry in ClinVar:

NM_206933.4(USH2A):c.12737C>A (p.Ala4246Asp)

Gene: USH2A (usherin; minus strand). Cytogenetic location: 1q41.
Variant type: single nucleotide variant.
Coding change: c.12737C>A on transcript NM_206933.4 (MANE Select); coding-DNA position 12737, C replaced by A.
Protein change: p.Ala4246Asp; replaces alanine 4246 with aspartic acid.
Molecular consequence: missense variant.
Genome position (GRCh38, 1-based): chr1:215,675,174, G>T on the plus strand (C>A on the coding strand, the complement: USH2A is on the minus strand). VCF-style: chr1-215675174-G-T. GRCh37 (hg19) VCF-style: chr1-215848516-G-T.
Other names: short protein forms A4246D.
Identifiers: ClinVar variation 2757915 (VCV002757915.3), dbSNP rs758316503, ClinGen allele CA344849477.

ClinVar aggregate classification (germline): Uncertain significance (1 of 4 stars; one submission).

Submission:

Labcorp Genetics (formerly Invitae), Labcorp
Classification: Uncertain significance. Last evaluated: 2023-09-04. Review status: criteria provided, single submitter. Criteria: Invitae Variant Classification Sherloc (09022015). Collection method: clinical testing. Allele origin: germline.
Comment: This sequence change replaces alanine, which is neutral and non-polar, with aspartic acid, which is acidic and polar, at codon 4246 of the USH2A protein (p.Ala4246Asp). This variant is not present in population databases (gnomAD no frequency). This variant has not been reported in the literature in individuals affected with USH2A-related conditions. Advanced modeling of protein sequence and biophysical properties (such as structural, functional, and spatial information, amino acid conservation, physicochemical variation, residue mobility, and thermodynamic stability) has been performed at Invitae for this missense variant, however the output from this modeling did not meet the statistical confidence thresholds required to predict the impact of this variant on USH2A protein function. In summary, the available evidence is currently insufficient to determine the role of this variant in disease. Therefore, it has been classified as a Variant of Uncertain Significance.